The following is an entry in ClinVar:

NM_000321.3(RB1):c.764G>A (p.Arg255Gln)

Gene: RB1 (RB transcriptional corepressor 1; plus strand). Cytogenetic location: 13q14.2.
Variant type: single nucleotide variant.
Coding change: c.764G>A on transcript NM_000321.3 (MANE Select); coding-DNA position 764, G replaced by A.
Protein change: p.Arg255Gln; replaces arginine 255 with glutamine.
Molecular consequence: missense variant.
Genome position (GRCh38, 1-based): chr13:48,362,860, G>A. VCF-style: chr13-48362860-G-A. GRCh37 (hg19) VCF-style: chr13-48936996-G-A.
Other names: short protein forms R255Q.
Identifiers: ClinVar variation 827173 (VCV000827173.15), dbSNP rs746954896, ClinGen allele CA388159358.

ClinVar aggregate classification (germline): Conflicting classifications of pathogenicity. Review status: criteria provided, conflicting classifications (1 of 4 stars). 4 submissions from 4 submitters: Uncertain significance (3); Likely benign (1). Last evaluated 2026-03-06.

Conditions:
Retinoblastoma (RB1). Also called: RETINOBLASTOMA, SOMATIC. Identifiers: Orphanet 790, MedGen C0035335, MeSH D012175, MONDO:0008380, OMIM 180200, HP:0009919. Disease mechanism: loss of function. Inheritance: Both sporadic and heritable forms are tested..
Hereditary cancer-predisposing syndrome. Also called: Hereditary Cancer Syndrome; Tumor predisposition; Neoplastic Syndromes, Hereditary; Hereditary neoplastic syndrome. Identifiers: Orphanet 140162, MedGen C0027672, MeSH D009386, MONDO:0015356.

Allele frequency attached by ClinVar (database versions not stated): TOPMed below 0.00001.
gnomAD v4.1: 2 of 1,613,842 alleles (0.00012%); highest among the groups gnomAD compares: Non-Finnish European, 0.00017%; no homozygotes.

Submissions (4):

Ambry Genetics
Classification: Likely benign for Hereditary cancer-predisposing syndrome. Last evaluated: 2026-03-06. Review status: criteria provided, single submitter. Criteria: Ambry Variant Classification Scheme 2023. Collection method: clinical testing. Allele origin: germline.

Labcorp Genetics (formerly Invitae), Labcorp
Classification: Uncertain significance for Retinoblastoma. Last evaluated: 2025-12-09. Review status: criteria provided, single submitter. Criteria: Invitae Variant Classification Sherloc (09022015). Collection method: clinical testing. Allele origin: germline.
Comment: This sequence change replaces arginine, which is basic and polar, with glutamine, which is neutral and polar, at codon 255 of the RB1 protein (p.Arg255Gln). This variant is not present in population databases (gnomAD no frequency). This variant has not been reported in the literature in individuals affected with RB1-related conditions. ClinVar contains an entry for this variant (Variation ID: 827173). Invitae Evidence Modeling of protein sequence and biophysical properties (such as structural, functional, and spatial information, amino acid conservation, physicochemical variation, residue mobility, and thermodynamic stability) indicates that this missense variant is not expected to disrupt RB1 protein function with a negative predictive value of 80%. In summary, the available evidence is currently insufficient to determine the role of this variant in disease. Therefore, it has been classified as a Variant of Uncertain Significance.

Color Diagnostics, LLC DBA Color Health
Classification: Uncertain significance for Retinoblastoma. Last evaluated: 2025-08-12. Review status: criteria provided, single submitter. Criteria: ACMG Guidelines, 2015. Collection method: clinical testing. Allele origin: germline.
Comment: This missense variant replaces arginine with glutamine at codon 255 of the RB1 protein. Computational prediction is inconclusive regarding the impact of this variant on protein structure and function. To our knowledge, functional studies have not been reported for this variant. This variant has not been reported in individuals affected with RB1-related disorders in the literature. This variant has not been identified in the general population by the Genome Aggregation Database (gnomAD). The available evidence is insufficient to determine the role of this variant in disease conclusively. Therefore, this variant is classified as a Variant of Uncertain Significance.

All of Us Research Program, National Institutes of Health
Classification: Uncertain significance for Retinoblastoma. Last evaluated: 2024-09-23. Review status: criteria provided, single submitter. Criteria: ACMG Guidelines, 2015. Collection method: clinical testing. Allele origin: germline. Inheritance: Autosomal dominant inheritance. Observed: 1 variant allele, 1 heterozygote.
Comment: This missense variant replaces arginine with glutamine at codon 255 of the RB1 protein. Computational prediction is inconclusive regarding the impact of this variant on protein structure and function (internally defined REVEL score threshold 0.5 < inconclusive < 0.7, PMID: 27666373). To our knowledge, functional studies have not been reported for this variant. This variant has not been reported in individuals affected with hereditary cancer in the literature. This variant has not been identified in the general population by the Genome Aggregation Database (gnomAD). The available evidence is insufficient to determine the role of this variant in disease conclusively. Therefore, this variant is classified as a Variant of Uncertain Significance.

This study involves interpretation of variants in research participants for the purpose of population health screening. Participant phenotype was not available at the time of variant classification. Additional details can be found in publication PMID: 35346344, PMCID: PMC8962531